The following is an entry in ClinVar:

NM_001458.5(FLNC):c.6983T>A (p.Val2328Glu)

Genes: FLNC-AS1 (FLNC antisense RNA 1; minus strand), FLNC (filamin C; plus strand). Cytogenetic location: 7q32.1.
Variant type: single nucleotide variant.
Coding change: c.6983T>A on transcript NM_001458.5 (MANE Select); coding-DNA position 6983, T replaced by A.
Protein change: p.Val2328Glu; replaces valine 2328 with glutamic acid.
Molecular consequence: missense variant.
Genome position (GRCh38, 1-based): chr7:128,854,668, T>A. VCF-style: chr7-128854668-T-A. GRCh37 (hg19) VCF-style: chr7-128494722-T-A.
Other names: c.6884T>A, p.Val2295Glu (NM_001127487.2); short protein forms V2295E, V2328E.
Identifiers: ClinVar variation 4812355 (VCV004812355.1).

ClinVar aggregate classification (germline): Uncertain significance (1 of 4 stars; one submission).

Conditions:
Myofibrillar myopathy 5. Also called: FILAMINOPATHY, AUTOSOMAL DOMINANT; Filaminopathy (type). Identifiers: Orphanet 171445, MedGen C1836050, MONDO:0012289, OMIM 609524.
Distal myopathy with posterior leg and anterior hand involvement. Also called: WILLIAMS DISTAL MYOPATHY. Identifiers: Orphanet 63273, MedGen C3279722, MONDO:0013550, OMIM 614065.
Hypertrophic cardiomyopathy 26. Also called: Cardiomyopathy, familial hypertrophic, 26. Identifiers: Orphanet 75249, MedGen C4310749, MONDO:0014883, OMIM 617047.

Submission:

Labcorp Genetics (formerly Invitae), Labcorp
Classification: Uncertain significance for Distal myopathy with posterior leg and anterior hand involvement; Myofibrillar myopathy 5; Hypertrophic cardiomyopathy 26. Last evaluated: 2025-02-13. Review status: criteria provided, single submitter. Criteria: Invitae Variant Classification Sherloc (09022015). Collection method: clinical testing. Allele origin: germline.
Comment: This sequence change replaces valine, which is neutral and non-polar, with glutamic acid, which is acidic and polar, at codon 2328 of the FLNC protein (p.Val2328Glu). This variant is not present in population databases (gnomAD no frequency). This variant has not been reported in the literature in individuals affected with FLNC-related conditions. Invitae Evidence Modeling of protein sequence and biophysical properties (such as structural, functional, and spatial information, amino acid conservation, physicochemical variation, residue mobility, and thermodynamic stability) indicates that this missense variant is not expected to disrupt FLNC protein function with a negative predictive value of 95%. Algorithms developed to predict the effect of sequence changes on RNA splicing suggest that this variant may disrupt the consensus splice site. This variant disrupts the p.Val2328 amino acid residue in FLNC. Other variant(s) that disrupt this residue have been determined to be pathogenic (internal data). This suggests that this residue is clinically significant, and that variants that disrupt this residue are likely to be disease-causing. In summary, the available evidence is currently insufficient to determine the role of this variant in disease. Therefore, it has been classified as a Variant of Uncertain Significance.